The following is an entry in ClinVar:

ClinVar aggregate classification (germline): Uncertain significance. Review status: criteria provided, multiple submitters, no conflicts (2 of 4 stars). 2 submissions from 2 submitters: Uncertain significance (2). Last evaluated 2025-06-26.

Conditions:
Inborn genetic diseases. Identifiers: MedGen C0950123, MeSH D030342.
Glycogen storage disease IXb (GSD9B). Also called: PHOSPHORYLASE KINASE DEFICIENCY OF LIVER AND MUSCLE, AUTOSOMAL RECESSIVE; GLYCOGENOSIS OF LIVER AND MUSCLE, AUTOSOMAL RECESSIVE; GSD IXb. Identifiers: Orphanet 79240, MedGen C0543514, MONDO:0009868, OMIM 261750.

Allele frequency attached by ClinVar (database versions not stated): gnomAD 0.00001; TOPMed 0.00001.
gnomAD v4.1: 3 of 1,613,452 alleles (0.00019%); highest among the groups gnomAD compares: African/African-American, 0.004%; no homozygotes.

Submissions (2):

Ambry Genetics
Classification: Uncertain significance for Inborn genetic diseases. Last evaluated: 2025-06-26. Review status: criteria provided, single submitter. Criteria: Ambry Variant Classification Scheme 2023. Collection method: clinical testing. Allele origin: germline.

Labcorp Genetics (formerly Invitae), Labcorp
Classification: Uncertain significance for Glycogen storage disease IXb. Last evaluated: 2021-10-31. Review status: criteria provided, single submitter. Criteria: Invitae Variant Classification Sherloc (09022015). Collection method: clinical testing. Allele origin: germline.
Comment: This sequence change replaces alanine, which is neutral and non-polar, with proline, which is neutral and non-polar, at codon 787 of the PHKB protein (p.Ala787Pro). This variant is present in population databases (no rsID available, gnomAD 0.01%). This variant has not been reported in the literature in individuals affected with PHKB-related conditions. Algorithms developed to predict the effect of missense changes on protein structure and function (SIFT, PolyPhen-2, Align-GVGD) all suggest that this variant is likely to be tolerated. In summary, the available evidence is currently insufficient to determine the role of this variant in disease. Therefore, it has been classified as a Variant of Uncertain Significance.

NM_000293.3(PHKB):c.2359G>C (p.Ala787Pro)

Gene: PHKB (phosphorylase kinase regulatory subunit beta; plus strand). Cytogenetic location: 16q12.1.
Variant type: single nucleotide variant.
Coding change: c.2359G>C on transcript NM_000293.3 (MANE Select); coding-DNA position 2359, G replaced by C.
Protein change: p.Ala787Pro; replaces alanine 787 with proline.
Molecular consequence: missense variant. On other transcripts: intron variant (2).
Genome position (GRCh38, 1-based): chr16:47,664,907, G>C. VCF-style: chr16-47664907-G-C. GRCh37 (hg19) VCF-style: chr16-47698818-G-C.
Other names: c.2359G>C (NM_000293.2); c.2337-1035G>C (NM_001363837.1); c.2316-1035G>C (NM_001031835.3); short protein forms A787P.
Identifiers: ClinVar variation 1390330 (VCV001390330.4), dbSNP rs1485645875, ClinGen allele CA395789576.